The following is an entry in ClinVar:

ClinVar aggregate classification (germline): Likely benign. Review status: criteria provided, multiple submitters, no conflicts (2 of 4 stars). 3 submissions from 3 submitters: Likely benign (3). Last evaluated 2026-01-31.

Allele frequency attached by ClinVar (database versions not stated): ExAC 0.00003; gnomAD exomes 0.00004 and 0.00012; gnomAD 0.00005; TOPMed 0.00005.
gnomAD v4.1: 177 of 1,606,238 alleles (0.011%); highest among the groups gnomAD compares: Non-Finnish European, 0.014%; no homozygotes.

Submissions (3):

Labcorp Genetics (formerly Invitae), Labcorp
Classification: Likely benign. Last evaluated: 2026-01-31. Review status: criteria provided, single submitter. Criteria: Invitae Variant Classification Sherloc (09022015). Collection method: clinical testing. Allele origin: germline.

Blueprint Genetics
Classification: Likely benign. Last evaluated: 2023-11-16. Review status: criteria provided, single submitter. Criteria: ACMG Guidelines, 2015. Collection method: clinical testing. Allele origin: germline.

CeGaT Center for Human Genetics Tuebingen
Classification: Likely benign. Last evaluated: 2023-06-01. Review status: criteria provided, single submitter. Criteria: CeGaT Center For Human Genetics Tuebingen Variant Classification Criteria Version 2. Collection method: clinical testing. Allele origin: germline. Affected: yes. Observed: 2 variant alleles.
Comment: OPA1: PM2:Supporting, BP4, BP7

NM_130837.3(OPA1):c.2436G>A (p.Lys812=)

Gene: OPA1 (OPA1 mitochondrial dynamin like GTPase; plus strand). Cytogenetic location: 3q29.
Variant type: single nucleotide variant.
Coding change: c.2436G>A on transcript NM_130837.3 (MANE Select); coding-DNA position 2436, G replaced by A.
Protein change: p.Lys812=; no amino-acid change (lysine 812 retained).
Molecular consequence: synonymous variant.
Genome position (GRCh38, 1-based): chr3:193,658,991, G>A. VCF-style: chr3-193658991-G-A. GRCh37 (hg19) VCF-style: chr3-193376780-G-A.
Other names: c.1902G>A, p.Lys634= (NM_001354663.2); c.1899G>A, p.Lys633= (NM_001354664.2); c.2271G>A, p.Lys757= (NM_015560.3); c.2163G>A, p.Lys721= (NM_130831.3); c.2217G>A, p.Lys739= (NM_130832.3); c.2274G>A, p.Lys758= (NM_130833.3); c.2325G>A, p.Lys775= (NM_130834.3); c.2328G>A, p.Lys776= (NM_130835.3); and 1 more.
Identifiers: ClinVar variation 1435126 (VCV001435126.40), dbSNP rs765782153, ClinGen allele CA2759644.